The following is an entry in ClinVar:

ClinVar aggregate classification (germline): Uncertain significance. Review status: criteria provided, multiple submitters, no conflicts (2 of 4 stars). 4 submissions from 4 submitters: Uncertain significance (4). Last evaluated 2024-08-01.

Conditions:
Cardiomyopathy (CMYO). Also called: Cardiomyopathies. Identifiers: Orphanet 167848, MedGen C0878544, MONDO:0004994, HP:0001638. Inheritance: Various modes of inheritance.
Catecholaminergic polymorphic ventricular tachycardia 1. Also called: RYR2-Related Catecholaminergic Polymorphic Ventricular Tachycardia; VENTRICULAR TACHYCARDIA, STRESS-INDUCED POLYMORPHIC 1; VENTRICULAR TACHYCARDIA, CATECHOLAMINERGIC POLYMORPHIC, 1, WITH OR WITHOUT ATRIAL DYSFUNCTION AND/OR DILATED CARDIOMYOPATHY. Identifiers: Orphanet 3286, MedGen C1631597, MONDO:0011484, OMIM 604772.

Allele frequency attached by ClinVar (database versions not stated): gnomAD exomes below 0.00001.
gnomAD v4.1: 2 of 1,600,696 alleles (0.00012%); highest among the groups gnomAD compares: Non-Finnish European, 0.00017%; no homozygotes.

Submissions (4):

3billion
Classification: Uncertain significance for Catecholaminergic polymorphic ventricular tachycardia 1. Last evaluated: 2024-08-01. Review status: criteria provided, single submitter. Criteria: ACMG Guidelines, 2015. Collection method: clinical testing. Allele origin: germline. Affected: yes.
Comment: The variant is observed at an extremely low frequency in the gnomAD v4.0.0 dataset (total allele frequency: <0.001%). Predicted Consequence/Location: Missense changes are a common disease-causing mechanism. In silico tool predictions suggest damaging effect of the variant on gene or gene product [REVEL: 0.90 (>=0.6, sensitivity 0.68 and specificity 0.92); 3Cnet: 0.00 (>=0.6, sensitivity 0.72 and precision 0.9)]. Different missense changes at the same codon have been reported as of uncertain significance (ClinVar ID: VCV000926113, VCV000582064). Therefore, this variant is classified as VUS according to the recommendation of ACMG/AMP guideline.

Blueprint Genetics
Classification: Uncertain significance. Last evaluated: 2024-05-02. Review status: criteria provided, single submitter. Criteria: ACMG Guidelines, 2015. Collection method: clinical testing. Allele origin: germline.

Color Diagnostics, LLC DBA Color Health
Classification: Uncertain significance for Cardiomyopathy. Last evaluated: 2023-12-04. Review status: criteria provided, single submitter. Criteria: ACMG Guidelines, 2015. Collection method: clinical testing. Allele origin: germline.
Comment: Variant of Uncertain Significance due to insufficient evidence: This missense variant replaces cysteine with glycine at codon 501 of the RYR2 protein. Computational prediction tools and conservation analyses are inconclusive regarding the impact of this variant on the protein function. Computational splicing tools suggest that this variant may not impact RNA splicing. To our knowledge, functional assays have not been performed for this variant nor has this variant been reported in individuals affected with cardiovascular disorders in the literature. This variant is rare in the general population and has been identified in 0/277264 chromosomes by the Genome Aggregation Database (gnomAD). Available evidence is insufficient to determine the role of this variant in disease conclusively.

Labcorp Genetics (formerly Invitae), Labcorp
Classification: Uncertain significance for Catecholaminergic polymorphic ventricular tachycardia 1. Last evaluated: 2022-08-23. Review status: criteria provided, single submitter. Criteria: Invitae Variant Classification Sherloc (09022015). Collection method: clinical testing. Allele origin: germline.
Comment: In summary, the available evidence is currently insufficient to determine the role of this variant in disease. Therefore, it has been classified as a Variant of Uncertain Significance. Advanced modeling of protein sequence and biophysical properties (such as structural, functional, and spatial information, amino acid conservation, physicochemical variation, residue mobility, and thermodynamic stability) performed at Invitae indicates that this missense variant is expected to disrupt RYR2 protein function. ClinVar contains an entry for this variant (Variation ID: 926113). This variant has not been reported in the literature in individuals affected with RYR2-related conditions. This variant is not present in population databases (gnomAD no frequency). This sequence change replaces cysteine, which is neutral and slightly polar, with glycine, which is neutral and non-polar, at codon 501 of the RYR2 protein (p.Cys501Gly).

NM_001035.3(RYR2):c.1501T>G (p.Cys501Gly)

Gene: RYR2 (ryanodine receptor 2; plus strand). Cytogenetic location: 1q43.
Variant type: single nucleotide variant.
Coding change: c.1501T>G on transcript NM_001035.3 (MANE Select); coding-DNA position 1501, T replaced by G.
Protein change: p.Cys501Gly; replaces cysteine 501 with glycine.
Molecular consequence: missense variant.
Genome position (GRCh38, 1-based): chr1:237,456,624, T>G. VCF-style: chr1-237456624-T-G. GRCh37 (hg19) VCF-style: chr1-237619924-T-G.
Other names: short protein forms C501G.
Identifiers: ClinVar variation 926113 (VCV000926113.15), dbSNP rs969500202, ClinGen allele CA39786437.